The following is an entry in ClinVar:

ClinVar aggregate classification (germline): Uncertain significance (1 of 4 stars; one submission).

Conditions:
Malignant hyperthermia, susceptibility to, 5 (MHS5). Also called: CACNA1S-Related Malignant Hyperthermia Susceptibility. Identifiers: Orphanet 423, MedGen C1866077, MONDO:0011163, OMIM 601887.

gnomAD v4.1: 2 of 1,614,032 alleles (0.00012%); highest among the groups gnomAD compares: Non-Finnish European, 0.00017%; no homozygotes.

Submission:

Color Diagnostics, LLC DBA Color Health
Classification: Uncertain significance for Malignant hyperthermia, susceptibility to, 5. Last evaluated: 2025-06-23. Review status: criteria provided, single submitter. Criteria: ACMG Guidelines, 2015. Collection method: clinical testing. Allele origin: germline.
Comment: This missense variant replaces alanine with serine at codon 1623 of the CACNA1S protein. Computational prediction suggests that this variant may not impact protein structure and function. To our knowledge, functional studies have not been reported for this variant. This variant has not been reported in individuals affected with CACNA1S-related disorders in the literature. This variant has not been identified in the general population by the Genome Aggregation Database (gnomAD). The available evidence is insufficient to determine the role of this variant in disease conclusively. Therefore, this variant is classified as a Variant of Uncertain Significance.

NM_000069.3(CACNA1S):c.4867G>T (p.Ala1623Ser)

Gene: CACNA1S (calcium voltage-gated channel subunit alpha1 S; minus strand). Cytogenetic location: 1q32.1.
Variant type: single nucleotide variant.
Coding change: c.4867G>T on transcript NM_000069.3 (MANE Select); coding-DNA position 4867, G replaced by T.
Protein change: p.Ala1623Ser; replaces alanine 1623 with serine.
Molecular consequence: missense variant.
Genome position (GRCh38, 1-based): chr1:201,043,462, C>A on the plus strand (G>T on the coding strand, the complement: CACNA1S is on the minus strand). VCF-style: chr1-201043462-C-A. GRCh37 (hg19) VCF-style: chr1-201012590-C-A.
Other names: short protein forms A1623S.
Identifiers: ClinVar variation 4757142 (VCV004757142.1).